The following is an entry in ClinVar:

ClinVar aggregate classification (germline): Uncertain significance (1 of 4 stars; one submission).

Conditions:
Immunodeficiency. Identifiers: MedGen C0021051, MONDO:0021094, HP:0002721.

Submission:

Labcorp Genetics (formerly Invitae), Labcorp
Classification: Uncertain significance for Immunodeficiency. Last evaluated: 2025-08-17. Review status: criteria provided, single submitter. Criteria: Invitae Variant Classification Sherloc (09022015). Collection method: clinical testing. Allele origin: germline.
Comment: This sequence change replaces glutamine, which is neutral and polar, with proline, which is neutral and non-polar, at codon 1246 of the NFAT5 protein (p.Gln1246Pro). This variant is not present in population databases (gnomAD no frequency). This variant has not been reported in the literature in individuals affected with NFAT5-related conditions. An algorithm developed to predict the effect of missense changes on protein structure and function (PolyPhen-2) suggests that this variant is likely to be disruptive. In summary, the available evidence is currently insufficient to determine the role of this variant in disease. Therefore, it has been classified as a Variant of Uncertain Significance.

NM_138713.4(NFAT5):c.4019A>C (p.Gln1340Pro)

Gene: NFAT5 (nuclear factor of activated T cells 5; plus strand). Cytogenetic location: 16q22.1.
Variant type: single nucleotide variant.
Coding change: c.4019A>C on transcript NM_138713.4 (MANE Select); coding-DNA position 4019, A replaced by C.
Protein change: p.Gln1340Pro; replaces glutamine 1340 with proline.
Molecular consequence: missense variant.
Genome position (GRCh38, 1-based): chr16:69,693,844, A>C. VCF-style: chr16-69693844-A-C. GRCh37 (hg19) VCF-style: chr16-69727747-A-C.
Other names: c.4016A>C, p.Gln1339Pro (NM_001113178.3); c.3344A>C, p.Gln1115Pro (NM_001367709.1); c.3965A>C, p.Gln1322Pro (NM_006599.4); c.3737A>C, p.Gln1246Pro (NM_138714.4, NM_173214.3, NM_173215.3); short protein forms Q1246P, Q1339P, Q1340P, Q1115P, Q1322P.
Identifiers: ClinVar variation 4712161 (VCV004712161.1).